The following is an entry in ClinVar:

ClinVar aggregate classification (germline): Conflicting classifications of pathogenicity. Review status: criteria provided, conflicting classifications (1 of 4 stars). 2 submissions from 2 submitters: Uncertain significance (1); Benign (1). Last evaluated 2025-01-02.

Conditions:
Cardiovascular phenotype. Identifiers: MedGen CN230736.
Long QT syndrome (LQTS). Identifiers: MedGen C0023976, MeSH D008133, MONDO:0002442. Disease mechanism: loss of function. Inheritance: Various modes of inheritance.

Allele frequency attached by ClinVar (database versions not stated): gnomAD 0.00003; ExAC 0.00002; TOPMed 0.00004; ESP Exome Variant Server 0.00008.
gnomAD v4.1: 7 of 1,613,954 alleles (0.00043%); highest among the groups gnomAD compares: African/African-American, 0.0093%; no homozygotes.

Submissions (2):

Ambry Genetics
Classification: Benign for Cardiovascular phenotype. Last evaluated: 2025-01-02. Review status: criteria provided, single submitter. Criteria: Ambry Variant Classification Scheme 2023. Collection method: clinical testing. Allele origin: germline.

Labcorp Genetics (formerly Invitae), Labcorp
Classification: Uncertain significance for Long QT syndrome. Last evaluated: 2023-03-01. Review status: criteria provided, single submitter. Criteria: Invitae Variant Classification Sherloc (09022015). Collection method: clinical testing. Allele origin: germline.
Comment: This variant has not been reported in the literature in individuals affected with AKAP9-related conditions. This variant is present in population databases (rs371753464, gnomAD 0.02%). This sequence change replaces valine, which is neutral and non-polar, with isoleucine, which is neutral and non-polar, at codon 2736 of the AKAP9 protein (p.Val2736Ile). ClinVar contains an entry for this variant (Variation ID: 1762454). In summary, the available evidence is currently insufficient to determine the role of this variant in disease. Therefore, it has been classified as a Variant of Uncertain Significance. Algorithms developed to predict the effect of missense changes on protein structure and function output the following: SIFT: "Not Available"; PolyPhen-2: "Benign"; Align-GVGD: "Not Available". The isoleucine amino acid residue is found in multiple mammalian species, which suggests that this missense change does not adversely affect protein function.

NM_005751.5(AKAP9):c.8206G>A (p.Val2736Ile)

Gene: AKAP9 (A-kinase anchoring protein 9; plus strand). Cytogenetic location: 7q21.2.
Variant type: single nucleotide variant.
Coding change: c.8206G>A on transcript NM_005751.5 (MANE Select); coding-DNA position 8206, G replaced by A.
Protein change: p.Val2736Ile; replaces valine 2736 with isoleucine.
Molecular consequence: missense variant.
Genome position (GRCh38, 1-based): chr7:92,083,215, G>A. VCF-style: chr7-92083215-G-A. GRCh37 (hg19) VCF-style: chr7-91712529-G-A.
Other names: c.2851G>A, p.Val951Ile (NM_001379277.1); c.8182G>A, p.Val2728Ile (NM_147185.3); short protein forms V2728I, V951I, V2736I.
Identifiers: ClinVar variation 1762454 (VCV001762454.8), dbSNP rs371753464, ClinGen allele CA4337451.